The following is an entry in ClinVar:

ClinVar aggregate classification (germline): Uncertain significance (1 of 4 stars; one submission).

Submission:

Labcorp Genetics (formerly Invitae), Labcorp
Classification: Uncertain significance. Last evaluated: 2024-08-05. Review status: criteria provided, single submitter. Criteria: Invitae Variant Classification Sherloc (09022015). Collection method: clinical testing. Allele origin: germline.
Comment: This sequence change replaces glutamine, which is neutral and polar, with arginine, which is basic and polar, at codon 181 of the CLRN1 protein (p.Gln181Arg). This variant is not present in population databases (gnomAD no frequency). This variant has not been reported in the literature in individuals affected with CLRN1-related conditions. ClinVar contains an entry for this variant (Variation ID: 1503296). An algorithm developed to predict the effect of missense changes on protein structure and function (PolyPhen-2) suggests that this variant is likely to be tolerated. In summary, the available evidence is currently insufficient to determine the role of this variant in disease. Therefore, it has been classified as a Variant of Uncertain Significance.

NM_174878.3(CLRN1):c.542A>G (p.Gln181Arg)

Gene: CLRN1 (clarin 1; minus strand). Cytogenetic location: 3q25.1.
Variant type: single nucleotide variant.
Coding change: c.542A>G on transcript NM_174878.3 (MANE Select); coding-DNA position 542, A replaced by G.
Protein change: p.Gln181Arg; replaces glutamine 181 with arginine.
Molecular consequence: missense variant. On other transcripts: 3 prime UTR variant (1), non-coding transcript variant (1).
Genome position (GRCh38, 1-based): chr3:150,928,093, T>C on the plus strand (A>G on the coding strand, the complement: CLRN1 is on the minus strand). VCF-style: chr3-150928093-T-C. GRCh37 (hg19) VCF-style: chr3-150645880-T-C.
Other names: c.581A>G, p.Gln194Arg (NM_001195794.1); c.*156A>G (NM_001256819.2); c.314A>G, p.Gln105Arg (NM_052995.2); short protein forms Q181R, Q105R, Q194R.
Identifiers: ClinVar variation 1503296 (VCV001503296.8), dbSNP rs2107927876, ClinGen allele CA354953096.